The following is an entry in ClinVar:

NM_003872.3(NRP2):c.1406G>A (p.Ser469Asn)

Gene: NRP2 (neuropilin 2; plus strand). Cytogenetic location: 2q33.3.
Variant type: single nucleotide variant.
Coding change: c.1406G>A on transcript NM_003872.3 (MANE Select); coding-DNA position 1406, G replaced by A.
Protein change: p.Ser469Asn; replaces serine 469 with asparagine.
Molecular consequence: missense variant.
Genome position (GRCh38, 1-based): chr2:205,743,317, G>A. VCF-style: chr2-205743317-G-A. GRCh37 (hg19) VCF-style: chr2-206608041-G-A.
Other names: c.1406G>A, p.Ser469Asn (NM_018534.4, NM_201264.2, NM_201266.2 and 2 more transcripts); short protein forms S469N.
Identifiers: ClinVar variation 3358049 (VCV003358049.1).

ClinVar aggregate classification (germline): Uncertain significance (0 of 4 stars; one submission).

Conditions:
NRP2-related disorder. Also called: NRP2-related condition.

gnomAD v4.1: 4 of 1,613,996 alleles (0.00025%); highest among the groups gnomAD compares: Non-Finnish European, 0.00025%; no homozygotes.

Submission:

PreventionGenetics, part of Exact Sciences
Classification: Uncertain significance for NRP2-related condition. Last evaluated: 2024-05-23. Review status: no assertion criteria provided. Collection method: clinical testing. Allele origin: germline.
Comment: The NRP2 c.1406G>A variant is predicted to result in the amino acid substitution p.Ser469Asn. To our knowledge, this variant has not been reported in the literature. This variant is reported in 0.0016% of alleles in individuals of European (Non-Finnish) descent in gnomAD. At this time, the clinical significance of this variant is uncertain due to the absence of conclusive functional and genetic evidence.